The following is an entry in ClinVar:

ClinVar aggregate classification (germline): Conflicting classifications of pathogenicity. Review status: criteria provided, conflicting classifications (1 of 4 stars). 2 submissions from 2 submitters: Likely pathogenic (1); Uncertain significance (1). Last evaluated 2025-07-25.

Conditions:
Autosomal recessive nonsyndromic hearing loss 2. Also called: NEUROSENSORY NONSYNDROMIC RECESSIVE DEAFNESS 2; DEAFNESS, AUTOSOMAL RECESSIVE 2. Identifiers: Orphanet 90636, MedGen C1838701, MONDO:0010807, OMIM 600060.

Submissions (2):

GeneDx
Classification: Uncertain significance. Last evaluated: 2025-07-25. Review status: criteria provided, single submitter. Criteria: GeneDx Variant Classification Process June 2021. Collection method: clinical testing. Allele origin: germline. Affected: yes.
Comment: Observed in apparent homozygous state in a patient with hearing loss in the literature and not observed in homozygous state in controls (PMID: 36597107); Not observed at significant frequency in large population cohorts (gnomAD); In silico analysis supports that this missense variant has a deleterious effect on protein structure/function; This variant is associated with the following publications: (PMID: 36597107)

Institute of Rare Diseases, West China Hospital, Sichuan University
Classification: Likely pathogenic for Autosomal recessive nonsyndromic hearing loss 2. Last evaluated: 2025-01-09. Review status: criteria provided, single submitter. Criteria: ClinGen HL ACMG Specifications v1. Collection method: research. Allele origin: germline. Affected: yes.
Comment: PM3_Strong;PP1;PM2_Supporting;PP3

NM_000260.4(MYO7A):c.765C>A (p.Phe255Leu)

Gene: MYO7A (myosin VIIA; plus strand). Cytogenetic location: 11q13.5.
Variant type: single nucleotide variant.
Coding change: c.765C>A on transcript NM_000260.4 (MANE Select); coding-DNA position 765, C replaced by A.
Protein change: p.Phe255Leu; replaces phenylalanine 255 with leucine.
Molecular consequence: missense variant.
Genome position (GRCh38, 1-based): chr11:77,157,308, C>A. VCF-style: chr11-77157308-C-A. GRCh37 (hg19) VCF-style: chr11-76868354-C-A.
Other names: c.765C>A, p.Phe255Leu (NM_001127180.2); c.732C>A, p.Phe244Leu (NM_001369365.1); c.765C>A (NM_000260.3); short protein forms F244L, F255L.
Identifiers: ClinVar variation 3601500 (VCV003601500.2).
Genomic context (GRCh38, chr11:77,157,308, plus strand): 5'-CTGGCCCCCAGCACTGTGCCCACATTTTCAGGCCCTGGATGAAAGGAACTACCACGTGTT[C>A]TACTGCATGCTGGAGGGTATGAGTGAGGATCAGAAGAAGAAGCTGGGCTTGGGCCAGGCC-3'
Protein context (NP_000251.3, residues 245-265): QALDERNYHV[Phe255Leu]YCMLEGMSED